The following is an entry in ClinVar:

ClinVar aggregate classification (germline): Conflicting classifications of pathogenicity. Review status: criteria provided, conflicting classifications (1 of 4 stars). 3 submissions from 3 submitters: Uncertain significance (2); Likely benign (1). Last evaluated 2023-12-04.

Conditions:
Hereditary cancer-predisposing syndrome. Also called: Neoplastic Syndromes, Hereditary; Tumor predisposition; Hereditary neoplastic syndrome; Hereditary Cancer Syndrome. Identifiers: Orphanet 140162, MedGen C0027672, MeSH D009386, MONDO:0015356.
Familial cancer of breast. Also called: BREAST CANCER, FAMILIAL; Hereditary breast cancer; hereditary breast carcinoma. Identifiers: Orphanet 227535, MedGen C0346153, MONDO:0016419, OMIM 114480. Disease mechanism: loss of function.

Allele frequency attached by ClinVar (database versions not stated): gnomAD 0.00001; TOPMed 0.00001.
gnomAD v4.1: 1 of 1,613,188 alleles (0.000062%); highest among the groups gnomAD compares: Admixed American, 0.0017%; no homozygotes.

Submissions (3):

Color Diagnostics, LLC DBA Color Health
Classification: Uncertain significance for Hereditary cancer-predisposing syndrome. Last evaluated: 2023-12-04. Review status: criteria provided, single submitter. Criteria: ACMG Guidelines, 2015. Collection method: clinical testing. Allele origin: germline.
Comment: This missense variant replaces threonine with isoleucine at codon 841 of the PALB2 protein. Computational prediction suggests that this variant may not impact protein structure and function (internally defined REVEL score threshold <= 0.5, PMID: 27666373). To our knowledge, functional studies have not been reported for this variant. This variant has not been reported in individuals affected with PALB2-related disorders in the literature. This variant has not been identified in the general population by the Genome Aggregation Database (gnomAD). The available evidence is insufficient to determine the role of this variant in disease conclusively. Therefore, this variant is classified as a Variant of Uncertain Significance.

Labcorp Genetics (formerly Invitae), Labcorp
Classification: Uncertain significance for Familial cancer of breast. Last evaluated: 2023-11-17. Review status: criteria provided, single submitter. Criteria: Invitae Variant Classification Sherloc (09022015). Collection method: clinical testing. Allele origin: germline.
Comment: This sequence change replaces threonine, which is neutral and polar, with isoleucine, which is neutral and non-polar, at codon 841 of the PALB2 protein (p.Thr841Ile). This variant is not present in population databases (gnomAD no frequency). This variant has not been reported in the literature in individuals affected with PALB2-related conditions. ClinVar contains an entry for this variant (Variation ID: 628741). Advanced modeling of protein sequence and biophysical properties (such as structural, functional, and spatial information, amino acid conservation, physicochemical variation, residue mobility, and thermodynamic stability) performed at Invitae indicates that this missense variant is not expected to disrupt PALB2 protein function with a negative predictive value of 80%. In summary, the available evidence is currently insufficient to determine the role of this variant in disease. Therefore, it has been classified as a Variant of Uncertain Significance.

Ambry Genetics
Classification: Likely benign for Hereditary cancer-predisposing syndrome. Last evaluated: 2022-12-26. Review status: criteria provided, single submitter. Criteria: Ambry Variant Classification Scheme 2023. Collection method: clinical testing. Allele origin: germline.

NM_024675.4(PALB2):c.2522C>T (p.Thr841Ile)

Gene: PALB2 (partner and localizer of BRCA2; minus strand). Cytogenetic location: 16p12.2.
Variant type: single nucleotide variant.
Coding change: c.2522C>T on transcript NM_024675.4 (MANE Select); coding-DNA position 2522, C replaced by T.
Protein change: p.Thr841Ile; replaces threonine 841 with isoleucine.
Molecular consequence: missense variant.
Genome position (GRCh38, 1-based): chr16:23,629,268, G>A on the plus strand (C>T on the coding strand, the complement: PALB2 is on the minus strand). VCF-style: chr16-23629268-G-A. GRCh37 (hg19) VCF-style: chr16-23640589-G-A.
Other names: short protein forms T841I.
Identifiers: ClinVar variation 628741 (VCV000628741.8), dbSNP rs1373085553, ClinGen allele CA395123851.